The following is an entry in ClinVar:

ClinVar aggregate classification (germline): Uncertain significance (1 of 4 stars; one submission).

Submission:

GeneDx
Classification: Uncertain significance. Last evaluated: 2023-10-24. Review status: criteria provided, single submitter. Criteria: GeneDx Variant Classification Process June 2021. Collection method: clinical testing. Allele origin: germline. Affected: yes.
Comment: Not observed at significant frequency in large population cohorts (gnomAD); In silico analysis supports that this missense variant has a deleterious effect on protein structure/function; Has not been previously published as pathogenic or benign to our knowledge

NM_000489.6(ATRX):c.2363C>T (p.Ser788Leu)

Gene: ATRX (ATRX chromatin remodeler; minus strand). Cytogenetic location: Xq21.1.
Variant type: single nucleotide variant.
Coding change: c.2363C>T on transcript NM_000489.6 (MANE Select); coding-DNA position 2363, C replaced by T.
Protein change: p.Ser788Leu; replaces serine 788 with leucine.
Molecular consequence: missense variant.
Genome position (GRCh38, 1-based): chrX:77,682,893, G>A on the plus strand (C>T on the coding strand, the complement: ATRX is on the minus strand). VCF-style: chrX-77682893-G-A. GRCh37 (hg19) VCF-style: chrX-76938385-G-A.
Other names: c.2249C>T, p.Ser750Leu (NM_138270.5); short protein forms S750L, S788L.
Identifiers: ClinVar variation 3363442 (VCV003363442.1).